The following is an entry in ClinVar:

ClinVar aggregate classification (germline): Uncertain significance. Review status: criteria provided, multiple submitters, no conflicts (2 of 4 stars). 2 submissions from 2 submitters: Uncertain significance (2). Last evaluated 2024-06-10.

Conditions:
Cenani-Lenz syndactyly syndrome. Also called: CENANI SYNDACTYLISM; SYNDACTYLY, TYPE VII. Identifiers: Orphanet 3258, MedGen C1859309, MONDO:0008931, OMIM 212780.
Congenital myasthenic syndrome 17. Identifiers: Orphanet 590, MedGen C4225377, MONDO:0014578, OMIM 616304.
Sclerosteosis 2 (SOST2). Identifiers: Orphanet 3152, MedGen C3280402, MONDO:0013679, OMIM 614305.

Allele frequency attached by ClinVar (database versions not stated): TOPMed 0.00002.
gnomAD v4.1: 44 of 1,614,080 alleles (0.0027%); highest among the groups gnomAD compares: Middle Eastern, 0.082%; no homozygotes.

Submissions (2):

Fulgent Genetics
Classification: Uncertain significance for Cenani-Lenz syndactyly syndrome; Sclerosteosis 2; Congenital myasthenic syndrome 17. Last evaluated: 2024-06-10. Review status: criteria provided, single submitter. Criteria: ACMG Guidelines, 2015. Collection method: clinical testing. Allele origin: germline.

Labcorp Genetics (formerly Invitae), Labcorp
Classification: Uncertain significance for Cenani-Lenz syndactyly syndrome; Sclerosteosis 2; Congenital myasthenic syndrome 17. Last evaluated: 2021-08-13. Review status: criteria provided, single submitter. Criteria: Invitae Variant Classification Sherloc (09022015). Collection method: clinical testing. Allele origin: germline.
Comment: This sequence change replaces glutamic acid with alanine at codon 1383 of the LRP4 protein (p.Glu1383Ala). The glutamic acid residue is highly conserved and there is a moderate physicochemical difference between glutamic acid and alanine. This variant is present in population databases (rs202151304, ExAC 0.006%). This variant has not been reported in the literature in individuals affected with LRP4-related conditions. Algorithms developed to predict the effect of missense changes on protein structure and function (SIFT, PolyPhen-2, Align-GVGD) all suggest that this variant is likely to be tolerated. In summary, the available evidence is currently insufficient to determine the role of this variant in disease. Therefore, it has been classified as a Variant of Uncertain Significance.

NM_002334.4(LRP4):c.4148A>C (p.Glu1383Ala)

Gene: LRP4 (LDL receptor related protein 4; minus strand). Cytogenetic location: 11p11.2.
Variant type: single nucleotide variant.
Coding change: c.4148A>C on transcript NM_002334.4 (MANE Select); coding-DNA position 4148, A replaced by C.
Protein change: p.Glu1383Ala; replaces glutamic acid 1383 with alanine.
Molecular consequence: missense variant.
Genome position (GRCh38, 1-based): chr11:46,874,881, T>G on the plus strand (A>C on the coding strand, the complement: LRP4 is on the minus strand). VCF-style: chr11-46874881-T-G. GRCh37 (hg19) VCF-style: chr11-46896432-T-G.
Other names: short protein forms E1383A.
Identifiers: ClinVar variation 834658 (VCV000834658.9), dbSNP rs202151304, ClinGen allele CA5969401.